The following is an entry in ClinVar:

NM_001128840.3(CACNA1D):c.1007G>A (p.Gly336Asp)

Gene: CACNA1D (calcium voltage-gated channel subunit alpha1 D; plus strand). Cytogenetic location: 3p21.1.
Variant type: single nucleotide variant.
Coding change: c.1007G>A on transcript NM_001128840.3 (MANE Select); coding-DNA position 1007, G replaced by A.
Protein change: p.Gly336Asp; replaces glycine 336 with aspartic acid.
Molecular consequence: missense variant.
Genome position (GRCh38, 1-based): chr3:53,666,426, G>A. VCF-style: chr3-53666426-G-A. GRCh37 (hg19) VCF-style: chr3-53700453-G-A.
Other names: c.1007G>A, p.Gly336Asp (NM_000720.4, NM_001128839.3); short protein forms G336D.
Identifiers: ClinVar variation 1472806 (VCV001472806.7), dbSNP rs1015916666, ClinGen allele CA75072359.

ClinVar aggregate classification (germline): Uncertain significance. Review status: criteria provided, multiple submitters, no conflicts (2 of 4 stars). 2 submissions from 2 submitters: Uncertain significance (2). Last evaluated 2024-10-17.

Allele frequency attached by ClinVar (database versions not stated): gnomAD exomes below 0.00001; TOPMed 0.00001.
gnomAD v4.1: 16 of 1,614,072 alleles (0.00099%); highest among the groups gnomAD compares: Admixed American, 0.0067%; no homozygotes.

Submissions (2):

Blueprint Genetics
Classification: Uncertain significance. Last evaluated: 2024-10-17. Review status: criteria provided, single submitter. Criteria: ACMG Guidelines, 2015. Collection method: clinical testing. Allele origin: germline.

Labcorp Genetics (formerly Invitae), Labcorp
Classification: Uncertain significance. Last evaluated: 2023-07-10. Review status: criteria provided, single submitter. Criteria: Invitae Variant Classification Sherloc (09022015). Collection method: clinical testing. Allele origin: germline.
Comment: This missense change has been observed in individual(s) with noncompaction cardiomyopathy (PMID: 30847666). This variant is present in population databases (no rsID available, gnomAD 0.003%). This sequence change replaces glycine, which is neutral and non-polar, with aspartic acid, which is acidic and polar, at codon 336 of the CACNA1D protein (p.Gly336Asp). In summary, the available evidence is currently insufficient to determine the role of this variant in disease. Therefore, it has been classified as a Variant of Uncertain Significance. Advanced modeling of protein sequence and biophysical properties (such as structural, functional, and spatial information, amino acid conservation, physicochemical variation, residue mobility, and thermodynamic stability) performed at Invitae indicates that this missense variant is not expected to disrupt CACNA1D protein function. ClinVar contains an entry for this variant (Variation ID: 1472806).

Literature cited by the submitters: PubMed 30847666 (cited by Labcorp Genetics (formerly Invitae), Labcorp).